The following is an entry in ClinVar:

NM_002519.3(NPAT):c.916C>T (p.His306Tyr)

Gene: NPAT (nuclear protein, coactivator of histone transcription; minus strand). Cytogenetic location: 11q22.3.
Variant type: single nucleotide variant.
Coding change: c.916C>T on transcript NM_002519.3 (MANE Select); coding-DNA position 916, C replaced by T.
Protein change: p.His306Tyr; replaces histidine 306 with tyrosine.
Molecular consequence: missense variant.
Genome position (GRCh38, 1-based): chr11:108,177,081, G>A on the plus strand (C>T on the coding strand, the complement: NPAT is on the minus strand). VCF-style: chr11-108177081-G-A. GRCh37 (hg19) VCF-style: chr11-108047808-G-A.
Other names: c.916C>T, p.His306Tyr (NM_001321307.1); short protein forms H306Y.
Identifiers: ClinVar variation 1766034 (VCV001766034.2), dbSNP rs2078014722, ClinGen allele CA382517442.

ClinVar aggregate classification (germline): Uncertain significance (1 of 4 stars; one submission).

Allele frequency attached by ClinVar (database versions not stated): gnomAD exomes below 0.00001; TOPMed below 0.00001.
gnomAD v4.1: 1 of 1,607,550 alleles (0.000062%); highest among the groups gnomAD compares: Non-Finnish European, 0.000085%; no homozygotes.

Submission:

Ambry Genetics
Classification: Uncertain significance. Last evaluated: 2022-05-30. Review status: criteria provided, single submitter. Criteria: Ambry Variant Classification Scheme 2023. Collection method: clinical testing. Allele origin: germline.
Comment: The p.H306Y variant (also known as c.916C>T), located in coding exon 11 of the NPAT gene, results from a C to T substitution at nucleotide position 916. The histidine at codon 306 is replaced by tyrosine, an amino acid with similar properties. This amino acid position is conserved. In addition, the in silico prediction for this alteration is inconclusive. Since supporting evidence is limited at this time, the clinical significance of this alteration remains unclear.